The following is an entry in ClinVar:

ClinVar aggregate classification (germline): Pathogenic (1 of 4 stars; one submission).

Conditions:
Duchenne muscular dystrophy (DMD). Also called: MUSCULAR DYSTROPHY, PSEUDOHYPERTROPHIC PROGRESSIVE, DUCHENNE TYPE; Duchenne Muscular Dystrophy (DMD). Identifiers: Orphanet 98896, MedGen C0013264, MONDO:0010679, OMIM 310200.

Submission:

Labcorp Genetics (formerly Invitae), Labcorp
Classification: Pathogenic for Duchenne muscular dystrophy. Last evaluated: 2025-07-23. Review status: criteria provided, single submitter. Criteria: Invitae Variant Classification Sherloc (09022015). Collection method: clinical testing. Allele origin: germline.
Comment: This sequence change affects an acceptor splice site in intron 62 of the DMD gene. It is expected to disrupt RNA splicing. Variants that disrupt the donor or acceptor splice site typically lead to a loss of protein function (PMID: 16199547), and loss-of-function variants in DMD are known to be pathogenic (PMID: 16770791, 25007885). This variant is not present in population databases (gnomAD no frequency). Disruption of this splice site has been observed in individual(s) with Duchenne muscular dystrophy (PMID: 17041906). In at least one individual the variant was observed to be de novo. Algorithms developed to predict the effect of sequence changes on RNA splicing suggest that this variant may disrupt the consensus splice site. For these reasons, this variant has been classified as Pathogenic.

Literature cited by the submitters: PubMed 16199547; PubMed 16770791; PubMed 25007885; PubMed 17041906.

NM_004006.3(DMD):c.9225-1G>A

Gene: DMD (dystrophin; minus strand). Cytogenetic location: Xp21.2.
Variant type: single nucleotide variant.
Coding change: c.9225-1G>A on transcript NM_004006.3 (MANE Select); the canonical splice acceptor site of the intron before coding-DNA position 9225, G replaced by A.
Molecular consequence: splice acceptor variant.
Genome position (GRCh38, 1-based): chrX:31,261,017, C>T on the plus strand (G>A on the coding strand, the complement: DMD is on the minus strand). VCF-style: chrX-31261017-C-T. GRCh37 (hg19) VCF-style: chrX-31279134-C-T.
Other names: c.9201-1G>A (NM_000109.4); c.5202-1G>A (NM_004011.4); c.5193-1G>A (NM_004012.4); c.1845-1G>A (NM_004023.3, NM_004020.4, NM_004022.3 and 2 more transcripts); c.1038-1G>A (NM_004014.3); c.21-1G>A (NM_004018.3, NM_004017.3, NM_004016.3 and 2 more transcripts); c.9213-1G>A (NM_004009.3); c.8856-1G>A (NM_004010.3).
Identifiers: ClinVar variation 4710668 (VCV004710668.1).